The following is an entry in ClinVar:

ClinVar aggregate classification (germline): Uncertain significance. Review status: criteria provided, multiple submitters, no conflicts (2 of 4 stars). 2 submissions from 2 submitters: Uncertain significance (2). Last evaluated 2024-06-10.

Conditions:
Spermatogenic failure 18. Identifiers: MedGen C4539783, MONDO:0054615, OMIM 617576.
Ciliary dyskinesia, primary, 37 (CILD37). Also called: CILIARY DYSKINESIA, PRIMARY, 37, WITH OR WITHOUT SITUS INVERSUS. Identifiers: MedGen C4539798, MONDO:0033204, OMIM 617577.

Allele frequency attached by ClinVar (database versions not stated): gnomAD exomes below 0.00001.
gnomAD v4.1: 6 of 1,555,858 alleles (0.00039%); highest among the groups gnomAD compares: Non-Finnish European, 0.00052%; no homozygotes.

Submissions (2):

Blueprint Genetics
Classification: Uncertain significance. Last evaluated: 2024-06-10. Review status: criteria provided, single submitter. Criteria: ACMG Guidelines, 2015. Collection method: clinical testing. Allele origin: germline.

Labcorp Genetics (formerly Invitae), Labcorp
Classification: Uncertain significance for Ciliary dyskinesia, primary, 37; Spermatogenic failure 18. Last evaluated: 2023-03-10. Review status: criteria provided, single submitter. Criteria: Invitae Variant Classification Sherloc (09022015). Collection method: clinical testing. Allele origin: germline.
Comment: In summary, the available evidence is currently insufficient to determine the role of this variant in disease. Therefore, it has been classified as a Variant of Uncertain Significance. Advanced modeling of protein sequence and biophysical properties (such as structural, functional, and spatial information, amino acid conservation, physicochemical variation, residue mobility, and thermodynamic stability) performed at Invitae indicates that this missense variant is not expected to disrupt DNAH1 protein function. This sequence change replaces isoleucine, which is neutral and non-polar, with valine, which is neutral and non-polar, at codon 3234 of the DNAH1 protein (p.Ile3234Val). This variant is not present in population databases (gnomAD no frequency). This variant has not been reported in the literature in individuals affected with DNAH1-related conditions. ClinVar contains an entry for this variant (Variation ID: 847835).

NM_015512.5(DNAH1):c.9700A>G (p.Ile3234Val)

Gene: DNAH1 (dynein axonemal heavy chain 1; plus strand). Cytogenetic location: 3p21.1.
Variant type: single nucleotide variant.
Coding change: c.9700A>G on transcript NM_015512.5 (MANE Select); coding-DNA position 9700, A replaced by G.
Protein change: p.Ile3234Val; replaces isoleucine 3234 with valine.
Molecular consequence: missense variant.
Genome position (GRCh38, 1-based): chr3:52,391,013, A>G. VCF-style: chr3-52391013-A-G. GRCh37 (hg19) VCF-style: chr3-52425029-A-G.
Other names: short protein forms I3234V.
Identifiers: ClinVar variation 847835 (VCV000847835.8), dbSNP rs1704350768, ClinGen allele CA353197610.